The following is an entry in ClinVar:

NM_000018.4(ACADVL):c.1744C>T (p.Leu582Phe)

Gene: ACADVL (acyl-CoA dehydrogenase very long chain; plus strand). Cytogenetic location: 17p13.1.
Variant type: single nucleotide variant.
Coding change: c.1744C>T on transcript NM_000018.4 (MANE Select); coding-DNA position 1744, C replaced by T.
Protein change: p.Leu582Phe; replaces leucine 582 with phenylalanine.
Molecular consequence: missense variant.
Genome position (GRCh38, 1-based): chr17:7,224,707, C>T. VCF-style: chr17-7224707-C-T. GRCh37 (hg19) VCF-style: chr17-7128026-C-T.
Other names: c.1678C>T, p.Leu560Phe (NM_001033859.3); c.1813C>T, p.Leu605Phe (NM_001270447.2); c.1516C>T, p.Leu506Phe (NM_001270448.2); short protein forms L506F, L582F, L605F, L560F.
Identifiers: ClinVar variation 932772 (VCV000932772.2), dbSNP rs1466587776, ClinGen allele CA397725781.
Genomic context (GRCh38, chr17:7,224,707, plus strand): 5'-CAGTTTCTGCTGCAGCGGCTGGCAGACGGGGCCATCGACCTCTATGCCATGGTGGTGGTT[C>T]TCTCGAGGTGAGGAGGCAGGCAGGGAATGCCTGAGCCGCAGGGGGCCTGGGCCTGGATCC-3'
Protein context (NP_000009.1, residues 572-592): AIDLYAMVVV[Leu582Phe]SRASRSLSEG

ClinVar aggregate classification (germline): Uncertain significance (1 of 4 stars; one submission).

Conditions:
Very long chain acyl-CoA dehydrogenase deficiency (ACADVLD). Also called: Very Long-Chain Acyl-Coenzyme A Dehydrogenase Deficiency; VLCAD Deficiency. Identifiers: Orphanet 26793, MedGen C3887523, MONDO:0008723, OMIM 201475.

Submission:

Wong Mito Lab, Molecular and Human Genetics, Baylor College of Medicine
Classification: Uncertain significance for Very long chain acyl-CoA dehydrogenase deficiency. Last evaluated: 2019-11-01. Review status: criteria provided, single submitter. Criteria: ACMG Guidelines, 2015. Collection method: clinical testing. Allele origin: germline.
Comment: The NM_000018.3:c.1744C>T (NP_000009.1:p.Leu582Phe) [GRCH38: NC_000017.11:g.7224707C>T] variant in ACADVL gene is interpretated to be Uncertain Significance based on ACMG guidelines (PMID: 25741868). This variant has been reported. This variant meets the following evidence codes reported in the ACMG guidelines: BP4